The following is an entry in ClinVar:

ClinVar aggregate classification (germline): Uncertain significance (1 of 4 stars; one submission).

Submission:

Labcorp Genetics (formerly Invitae), Labcorp
Classification: Uncertain significance. Last evaluated: 2024-07-21. Review status: criteria provided, single submitter. Criteria: Invitae Variant Classification Sherloc (09022015). Collection method: clinical testing. Allele origin: germline.
Comment: This sequence change replaces proline, which is neutral and non-polar, with threonine, which is neutral and polar, at codon 210 of the OR2W3 protein (p.Pro210Thr). This variant is not present in population databases (gnomAD no frequency). This variant has not been reported in the literature in individuals affected with OR2W3-related conditions. An algorithm developed to predict the effect of missense changes on protein structure and function (PolyPhen-2) suggests that this variant is likely to be disruptive. In summary, the available evidence is currently insufficient to determine the role of this variant in disease. Therefore, it has been classified as a Variant of Uncertain Significance.

NM_001001957.2(OR2W3):c.628C>A (p.Pro210Thr)

Gene: OR2W3 (olfactory receptor family 2 subfamily W member 3; plus strand). Cytogenetic location: 1q44.
Variant type: single nucleotide variant.
Coding change: c.628C>A on transcript NM_001001957.2 (MANE Select); coding-DNA position 628, C replaced by A.
Protein change: p.Pro210Thr; replaces proline 210 with threonine.
Molecular consequence: missense variant.
Genome position (GRCh38, 1-based): chr1:247,896,214, C>A. VCF-style: chr1-247896214-C-A. GRCh37 (hg19) VCF-style: chr1-248059516-C-A.
Other names: short protein forms P210T.
Identifiers: ClinVar variation 3613549 (VCV003613549.2).